The following is an entry in ClinVar:

ClinVar aggregate classification (germline): Uncertain significance (1 of 4 stars; one submission).

Submission:

GeneDx
Classification: Uncertain significance. Last evaluated: 2026-01-28. Review status: criteria provided, single submitter. Criteria: GeneDx Variant Classification Process June 2021. Collection method: clinical testing. Allele origin: germline.
Comment: Not observed at significant frequency in large population cohorts (gnomAD); In silico analysis supports that this missense variant has a deleterious effect on protein structure/function; Has not been previously published as pathogenic or benign to our knowledge

NM_003074.4(SMARCC1):c.1829C>T (p.Thr610Ile)

Gene: SMARCC1 (SWI/SNF related BAF chromatin remodeling complex subunit C1; minus strand). Cytogenetic location: 3p21.31.
Variant type: single nucleotide variant.
Coding change: c.1829C>T on transcript NM_003074.4 (MANE Select); coding-DNA position 1829, C replaced by T.
Protein change: p.Thr610Ile; replaces threonine 610 with isoleucine.
Molecular consequence: missense variant.
Genome position (GRCh38, 1-based): chr3:47,675,485, G>A on the plus strand (C>T on the coding strand, the complement: SMARCC1 is on the minus strand). VCF-style: chr3-47675485-G-A. GRCh37 (hg19) VCF-style: chr3-47716975-G-A.
Other names: short protein forms T610I.
Identifiers: ClinVar variation 4975818 (VCV004975818.1).